The following is an entry in ClinVar:

ClinVar aggregate classification (germline): Benign/Likely benign. Review status: criteria provided, multiple submitters, no conflicts (2 of 4 stars). 2 submissions from 2 submitters: Benign (1); Likely benign (1). Last evaluated 2025-12-13.

Conditions:
Myasthenic syndrome, congenital, 22 (CMS22). Also called: PREPL DEFICIENCY. Identifiers: MedGen C4479088, MONDO:0044299, OMIM 616224.
PREPL-related disorder. Also called: PREPL-related condition.

Allele frequency attached by ClinVar (database versions not stated): 1000 Genomes Project 30x 0.00125; 1000 Genomes Project 0.00140.
gnomAD v4.1: 762 of 1,613,906 alleles (0.047%); highest among the groups gnomAD compares: South Asian, 0.77%; 7 homozygotes.

Submissions (2):

Labcorp Genetics (formerly Invitae), Labcorp
Classification: Benign for Myasthenic syndrome, congenital, 22. Last evaluated: 2025-12-13. Review status: criteria provided, single submitter. Criteria: Invitae Variant Classification Sherloc (09022015). Collection method: clinical testing. Allele origin: germline.

PreventionGenetics, part of Exact Sciences
Classification: Likely benign for PREPL-related condition. Last evaluated: 2025-07-30. Review status: criteria provided, single submitter. Criteria: ACMG Guidelines, 2015. Collection method: clinical testing. Allele origin: germline.
Comment: This variant is classified as likely benign based on ACMG/AMP sequence variant interpretation guidelines (Richards et al. 2015 PMID: 25741868, with internal and published modifications).

NM_001171613.2(PREPL):c.303C>A (p.Ser101Arg)

Gene: PREPL (prolyl endopeptidase like; minus strand). Cytogenetic location: 2p21.
Variant type: single nucleotide variant.
Coding change: c.303C>A on transcript NM_001171613.2 (MANE Select); coding-DNA position 303, C replaced by A.
Protein change: p.Ser101Arg; replaces serine 101 with arginine.
Molecular consequence: missense variant.
Genome position (GRCh38, 1-based): chr2:44,343,791, G>T on the plus strand (C>A on the coding strand, the complement: PREPL is on the minus strand). VCF-style: chr2-44343791-G-T. GRCh37 (hg19) VCF-style: chr2-44570930-G-T.
Other names: c.570C>A, p.Ser190Arg (NM_006036.4, NM_001042385.2, NM_001042386.2 and 4 more transcripts); c.303C>A, p.Ser101Arg (NM_001171617.1, NM_001374277.1); short protein forms S190R, S101R.
Identifiers: ClinVar variation 698095 (VCV000698095.12), dbSNP rs538321114, ClinGen allele CA1641547.